The following is an entry in ClinVar:

NM_001270974.2(HYDIN):c.11321C>T (p.Thr3774Met)

Gene: HYDIN (HYDIN axonemal central pair apparatus protein; minus strand). Cytogenetic location: 16q22.2.
Variant type: single nucleotide variant.
Coding change: c.11321C>T on transcript NM_001270974.2 (MANE Select); coding-DNA position 11321, C replaced by T.
Protein change: p.Thr3774Met; replaces threonine 3774 with methionine.
Molecular consequence: missense variant.
Genome position (GRCh38, 1-based): chr16:70,866,319, G>A on the plus strand (C>T on the coding strand, the complement: HYDIN is on the minus strand). VCF-style: chr16-70866319-G-A. GRCh37 (hg19) VCF-style: chr16-70900222-G-A.
Other names: short protein forms T3774M.
Identifiers: ClinVar variation 3025976 (VCV003025976.22), dbSNP rs368421405, ClinGen allele CA8149032.

ClinVar aggregate classification (germline): Uncertain significance (1 of 4 stars; one submission).

Allele frequency attached by ClinVar (database versions not stated): gnomAD 0.00001; gnomAD exomes 0.00003; ESP Exome Variant Server 0.00009; ExAC 0.00015.
gnomAD v4.1: 30 of 1,186,390 alleles (0.0025%); highest among the groups gnomAD compares: Non-Finnish European, 0.003%; no homozygotes.

Submission:

CeGaT Center for Human Genetics Tuebingen
Classification: Uncertain significance. Last evaluated: 2024-01-01. Review status: criteria provided, single submitter. Criteria: CeGaT Center For Human Genetics Tuebingen Variant Classification Criteria Version 2. Collection method: clinical testing. Allele origin: germline. Affected: yes. Observed: 1 variant allele.
Comment: HYDIN: PM2:Supporting, BP4